The following is an entry in ClinVar:

ClinVar aggregate classification (germline): Likely pathogenic. Review status: criteria provided, multiple submitters, no conflicts (2 of 4 stars). 2 submissions from 2 submitters: Likely pathogenic (2). Last evaluated 2025-12-15.

Conditions:
Progressive sclerosing poliodystrophy (MTDPS4A). Also called: ALPERS PROGRESSIVE INFANTILE POLIODYSTROPHY; Alpers Syndrome; ALPERS DIFFUSE DEGENERATION OF CEREBRAL GRAY MATTER WITH HEPATIC CIRRHOSIS; Alpers-Huttenlocher Syndrome; NEURONAL DEGENERATION OF CHILDHOOD WITH LIVER DISEASE, PROGRESSIVE; Mitochondrial DNA depletion syndrome 4A (Alpers type). Identifiers: Orphanet 726, MedGen C0205710, MONDO:0008758, OMIM 203700.
POLG-related disorder. Also called: POLG-related condition; POLG-Related Disorders; POLG-Related Spectrum Disorders. Identifiers: MedGen C4763519.

Submissions (3):

Myriad Genetics, Inc.
Classification: Likely pathogenic for POLG-related disorder. Last evaluated: 2025-12-15. Review status: criteria provided, single submitter. Criteria: Myriad Autosomal Dominant, Autosomal Recessive and X-Linked Classification Criteria (2023). Collection method: clinical testing. Allele origin: unknown.
Comment: NM_002693.2(POLG):c.2981+1G>C is a variant in a canonical splice site classified as likely pathogenic in the context of POLG-related disorders. c.2981+1G>C has not been observed in cases with relevant disease. Relevant functional assessments of this variant are not available in the literature. c.2981+1G>C has not been observed in referenced population frequency databases. In summary, NM_002693.2(POLG):c.2981+1G>C is a variant in a canonical splice site in a gene where loss of function is a known mechanism of disease and is predicted to disrupt protein function. Please note: this variant was assessed in the context of healthy population screening.

Labcorp Genetics (formerly Invitae), Labcorp
Classification: Likely pathogenic for Progressive sclerosing poliodystrophy. Last evaluated: 2023-11-24. Review status: criteria provided, single submitter. Criteria: Invitae Variant Classification Sherloc (09022015). Collection method: clinical testing. Allele origin: germline.
Comment: This sequence change affects a donor splice site in intron 18 of the POLG gene. It is expected to disrupt RNA splicing. Variants that disrupt the donor or acceptor splice site typically lead to a loss of protein function (PMID: 16199547), and loss-of-function variants in POLG are known to be pathogenic (PMID: 18546365). This variant is not present in population databases (gnomAD no frequency). This variant has not been reported in the literature in individuals affected with POLG-related conditions. Algorithms developed to predict the effect of sequence changes on RNA splicing suggest that this variant may disrupt the consensus splice site. In summary, the currently available evidence indicates that the variant is pathogenic, but additional data are needed to prove that conclusively. Therefore, this variant has been classified as Likely Pathogenic.

Dr. Peter K. Rogan Lab, Western University
No classification provided (evidence only). Condition: Squamous cell lung carcinoma. Review status: no classification provided. Collection method: in vitro. Allele origin: not applicable. Functional consequence: retained intron. Not counted in ClinVar's aggregate classification.

Literature cited by the submitters: PubMed 16199547 (cited by Labcorp Genetics (formerly Invitae), Labcorp); PubMed 18546365 (cited by Labcorp Genetics (formerly Invitae), Labcorp).

NM_002693.3(POLG):c.2981+1G>C

Gene: POLG (DNA polymerase gamma, catalytic subunit; minus strand). Cytogenetic location: 15q26.1.
Variant type: single nucleotide variant.
Coding change: c.2981+1G>C on transcript NM_002693.3 (MANE Select); the canonical splice donor site of the intron after coding-DNA position 2981, G replaced by C.
Molecular consequence: splice donor variant.
Genome position (GRCh38, 1-based): chr15:89,320,765, C>G on the plus strand (G>C on the coding strand, the complement: POLG is on the minus strand). VCF-style: chr15-89320765-C-G. GRCh37 (hg19) VCF-style: chr15-89863996-C-G.
Other names: c.2981+1G>C (NM_001126131.2).
Identifiers: ClinVar variation 2698284 (VCV002698284.5), dbSNP rs2509216493, ClinGen allele CA393752110.